The following is an entry in ClinVar:

ClinVar aggregate classification (germline): Uncertain significance (1 of 4 stars; one submission).

Submission:

Labcorp Genetics (formerly Invitae), Labcorp
Classification: Uncertain significance. Last evaluated: 2024-05-21. Review status: criteria provided, single submitter. Criteria: Invitae Variant Classification Sherloc (09022015). Collection method: clinical testing. Allele origin: germline.
Comment: This sequence change affects codon 1102 of the NYNRIN mRNA. It is a 'silent' change, meaning that it does not change the encoded amino acid sequence of the NYNRIN protein. This variant is present in population databases (no rsID available, gnomAD 0.06%). This variant has not been reported in the literature in individuals affected with NYNRIN-related conditions. Experimental studies and prediction algorithms are not available or were not evaluated, and the effect of this variant on mRNA splicing is currently unknown. In summary, the available evidence is currently insufficient to determine the role of this variant in disease. Therefore, it has been classified as a Variant of Uncertain Significance.

NM_025081.3(NYNRIN):c.3306C>T (p.Asp1102=)

Gene: NYNRIN (NYN domain and retroviral integrase containing; plus strand). Cytogenetic location: 14q12.
Variant type: single nucleotide variant.
Coding change: c.3306C>T on transcript NM_025081.3 (MANE Select); coding-DNA position 3306, C replaced by T.
Protein change: p.Asp1102=; no amino-acid change (aspartic acid 1102 retained).
Molecular consequence: synonymous variant.
Genome position (GRCh38, 1-based): chr14:24,415,055, C>T. VCF-style: chr14-24415055-C-T. GRCh37 (hg19) VCF-style: chr14-24884261-C-T.
Identifiers: ClinVar variation 3714186 (VCV003714186.2).